The following is an entry in ClinVar:

ClinVar aggregate classification (germline): Uncertain significance (1 of 4 stars; one submission).

Conditions:
Early-infantile DEE. Also called: Early infantile epileptic encephalopathy with suppression bursts; Early infantile epileptic encephalopathy; Ohtahara syndrome. Identifiers: Orphanet 1934, MedGen C0393706, MONDO:0800491.

Submission:

Labcorp Genetics (formerly Invitae), Labcorp
Classification: Uncertain significance for Early-infantile DEE. Last evaluated: 2023-05-25. Review status: criteria provided, single submitter. Criteria: Invitae Variant Classification Sherloc (09022015). Collection method: clinical testing. Allele origin: germline.
Comment: In summary, the available evidence is currently insufficient to determine the role of this variant in disease. Therefore, it has been classified as a Variant of Uncertain Significance. This variant has not been reported in the literature in individuals affected with ARHGEF15-related conditions. This variant is present in population databases (rs771155816, gnomAD 0.006%). This sequence change creates a premature translational stop signal (p.Gln298Thrfs*5) in the ARHGEF15 gene. It is expected to result in an absent or disrupted protein product. However, the current clinical and genetic evidence is not sufficient to establish whether loss-of-function variants in ARHGEF15 cause disease.

NM_173728.4(ARHGEF15):c.890dup (p.Gln298fs)

Gene: ARHGEF15 (Rho guanine nucleotide exchange factor 15; plus strand). Cytogenetic location: 17p13.1.
Variant type: Duplication.
Coding change: c.890dup on transcript NM_173728.4 (MANE Select); coding-DNA position 890, one base duplicated (C; older notation c.890dupC).
Protein change: p.Gln298fs; shifts the reading frame from glutamine 298.
Molecular consequence: frameshift variant.
Genome position (GRCh38, 1-based): chr17:8,313,210, C duplicated; the last of 6 consecutive C bases (chr17:8,313,205-8,313,210); duplicating any one gives the same sequence. VCF-style (leftmost placement, unchanged base first): chr17-8313204-A-AC. GRCh37 (hg19) VCF-style: chr17-8216522-A-AC.
Other names: c.890dup, p.Gln298fs (NM_025014.2); short protein forms Q298fs.
Identifiers: ClinVar variation 2742254 (VCV002742254.3), dbSNP rs771155816, ClinGen allele CA8375014.